The following is an entry in ClinVar:

ClinVar aggregate classification (germline): Uncertain significance (1 of 4 stars; one submission).

Conditions:
Hereditary cancer-predisposing syndrome. Also called: Hereditary Cancer Syndrome; Hereditary neoplastic syndrome; Tumor predisposition; Neoplastic Syndromes, Hereditary. Identifiers: Orphanet 140162, MedGen C0027672, MeSH D009386, MONDO:0015356.

Submission:

Ambry Genetics
Classification: Uncertain significance for Hereditary cancer-predisposing syndrome. Last evaluated: 2024-08-19. Review status: criteria provided, single submitter. Criteria: Ambry Variant Classification Scheme 2023. Collection method: clinical testing. Allele origin: germline.
Comment: The p.C66W variant (also known as c.198C>G), located in coding exon 1 of the HOXB13 gene, results from a C to G substitution at nucleotide position 198. The cysteine at codon 66 is replaced by tryptophan, an amino acid with highly dissimilar properties. This amino acid position is conserved. In addition, the in silico prediction for this alteration is inconclusive. Based on the available evidence, the clinical significance of this variant remains unclear.

NM_006361.6(HOXB13):c.198C>G (p.Cys66Trp)

Gene: HOXB13 (homeobox B13; minus strand). Cytogenetic location: 17q21.32.
Variant type: single nucleotide variant.
Coding change: c.198C>G on transcript NM_006361.6 (MANE Select); coding-DNA position 198, C replaced by G.
Protein change: p.Cys66Trp; replaces cysteine 66 with tryptophan.
Molecular consequence: missense variant.
Genome position (GRCh38, 1-based): chr17:48,728,396, G>C on the plus strand (C>G on the coding strand, the complement: HOXB13 is on the minus strand). VCF-style: chr17-48728396-G-C. GRCh37 (hg19) VCF-style: chr17-46805758-G-C.
Other names: short protein forms C66W.
Identifiers: ClinVar variation 3526286 (VCV003526286.1).
Genomic context (GRCh38, chr17:48,728,396, plus strand): 5'-CCCGCCTCCAAAGTAACCATAAGGCACGGGAGCTGGGGACGTCCCCTGGGGCACCCCAGG[G>C]CATGGGTGGCATTGCTTTGGCGGCTCCGCCGAGCCTGGCAGATCCAAGGGGGCATAGTTG-3'
Protein context (NP_006352.2, residues 56-76): SAEPPKQCHP[Cys66Trp]PGVPQGTSPA